The following is an entry in ClinVar:

ClinVar aggregate classification (germline): Uncertain significance (1 of 4 stars; one submission).

Submission:

Labcorp Genetics (formerly Invitae), Labcorp
Classification: Uncertain significance. Last evaluated: 2025-10-13. Review status: criteria provided, single submitter. Criteria: Invitae Variant Classification Sherloc (09022015). Collection method: clinical testing. Allele origin: germline.
Comment: This sequence change replaces glycine, which is neutral and non-polar, with aspartic acid, which is acidic and polar, at codon 402 of the ANKZF1 protein (p.Gly402Asp). This variant is not present in population databases (gnomAD no frequency). This variant has not been reported in the literature in individuals affected with ANKZF1-related conditions. ClinVar contains an entry for this variant (Variation ID: 3633293). An algorithm developed to predict the effect of missense changes on protein structure and function (PolyPhen-2) suggests that this variant is likely to be tolerated. Algorithms developed to predict the effect of sequence changes on RNA splicing suggest that this variant may disrupt the consensus splice site. In summary, the available evidence is currently insufficient to determine the role of this variant in disease. Therefore, it has been classified as a Variant of Uncertain Significance.

NM_018089.3(ANKZF1):c.1205G>A (p.Gly402Asp)

Gene: ANKZF1 (ankyrin repeat and zinc finger peptidyl tRNA hydrolase 1; plus strand). Cytogenetic location: 2q35.
Variant type: single nucleotide variant.
Coding change: c.1205G>A on transcript NM_018089.3 (MANE Select); coding-DNA position 1205, G replaced by A.
Protein change: p.Gly402Asp; replaces glycine 402 with aspartic acid.
Molecular consequence: missense variant.
Genome position (GRCh38, 1-based): chr2:219,234,826, G>A. VCF-style: chr2-219234826-G-A. GRCh37 (hg19) VCF-style: chr2-220099548-G-A.
Other names: c.1205G>A, p.Gly402Asp (NM_001042410.2); c.575G>A, p.Gly192Asp (NM_001282792.2); short protein forms G192D, G402D.
Identifiers: ClinVar variation 3633293 (VCV003633293.2).